The following is an entry in ClinVar:

ClinVar aggregate classification (germline): Likely benign. Review status: criteria provided, multiple submitters, no conflicts (2 of 4 stars). 3 submissions from 3 submitters: Likely benign (3). Last evaluated 2026-06-01.

Conditions:
Inborn genetic diseases. Identifiers: MedGen C0950123, MeSH D030342.

Allele frequency attached by ClinVar (database versions not stated): ExAC 0.00014; gnomAD 0.00022; ESP Exome Variant Server 0.00027.
gnomAD v4.1: 368 of 1,591,904 alleles (0.023%); highest among the groups gnomAD compares: Middle Eastern, 0.034%; no homozygotes.

Submissions (3):

CeGaT Center for Human Genetics Tuebingen
Classification: Likely benign. Last evaluated: 2026-06-01. Review status: criteria provided, single submitter. Criteria: CeGaT Center For Human Genetics Tuebingen Variant Classification Criteria Version 2. Collection method: clinical testing. Allele origin: germline. Affected: yes. Observed: 2 variant alleles.
Comment: PRR12: BS2

Ambry Genetics
Classification: Likely benign for Inborn genetic diseases. Last evaluated: 2022-11-09. Review status: criteria provided, single submitter. Criteria: Ambry Variant Classification Scheme 2023. Collection method: clinical testing. Allele origin: germline.

Breakthrough Genomics
Classification: Likely benign. Review status: criteria provided, single submitter. Criteria: ACMG Guidelines, 2015. Collection method: not provided. Allele origin: germline. Inheritance: Autosomal dominant inheritance. Affected: yes.

NM_020719.3(PRR12):c.1388G>C (p.Gly463Ala)

Gene: PRR12 (proline rich 12; plus strand). Cytogenetic location: 19q13.33.
Variant type: single nucleotide variant.
Coding change: c.1388G>C on transcript NM_020719.3 (MANE Select); coding-DNA position 1388, G replaced by C.
Protein change: p.Gly463Ala; replaces glycine 463 with alanine.
Molecular consequence: missense variant.
Genome position (GRCh38, 1-based): chr19:49,595,723, G>C. VCF-style: chr19-49595723-G-C. GRCh37 (hg19) VCF-style: chr19-50098980-G-C.
Other names: short protein forms G463A.
Identifiers: ClinVar variation 2347665 (VCV002347665.7), dbSNP rs373768400, ClinGen allele CA9577847.